The following is an entry in ClinVar:

ClinVar aggregate classification (germline): Uncertain significance. Review status: criteria provided, multiple submitters, no conflicts (2 of 4 stars). 2 submissions from 2 submitters: Uncertain significance (2). Last evaluated 2023-10-24.

Allele frequency attached by ClinVar (database versions not stated): ExAC 0.00001; gnomAD 0.00002; gnomAD exomes 0.00004; TOPMed 0.00005.
gnomAD v4.1: 64 of 1,613,990 alleles (0.004%); highest among the groups gnomAD compares: Non-Finnish European, 0.0049%; no homozygotes.

Submissions (2):

Women's Health and Genetics/Laboratory Corporation of America, LabCorp
Classification: Uncertain significance. Last evaluated: 2023-10-24. Review status: criteria provided, single submitter. Criteria: LabCorp Variant Classification Summary - May 2015. Collection method: clinical testing. Allele origin: germline.
Comment: Variant summary: PRKD1 c.1270A>G (p.Met424Val) results in a conservative amino acid change located in the pleckstrin homology domain (IPR001849) of the encoded protein sequence. Four of five in-silico tools predict a benign effect of the variant on protein function. The variant allele was found at a frequency of 1.2e-05 in 251338 control chromosomes (gnomAD). The available data on variant occurrences in the general population are insufficient to allow any conclusion about variant significance. To our knowledge, no occurrence of c.1270A>G in individuals affected with Congenital Heart Defects And Ectodermal Dysplasia and no experimental evidence demonstrating its impact on protein function have been reported. One submitter has cited a clinical-significance assessment for this variant to ClinVar after 2014 and has classified the variant as uncertain significance. Based on the evidence outlined above, the variant was classified as uncertain significance.

Ambry Genetics
Classification: Uncertain significance. Last evaluated: 2022-06-28. Review status: criteria provided, single submitter. Criteria: Ambry Variant Classification Scheme 2023. Collection method: clinical testing. Allele origin: germline.

NM_002742.3(PRKD1):c.1270A>G (p.Met424Val)

Gene: PRKD1 (protein kinase D1; minus strand). Cytogenetic location: 14q12.
Variant type: single nucleotide variant.
Coding change: c.1270A>G on transcript NM_002742.3 (MANE Select); coding-DNA position 1270, A replaced by G.
Protein change: p.Met424Val; replaces methionine 424 with valine.
Molecular consequence: missense variant.
Genome position (GRCh38, 1-based): chr14:29,634,462, T>C on the plus strand (A>G on the coding strand, the complement: PRKD1 is on the minus strand). VCF-style: chr14-29634462-T-C. GRCh37 (hg19) VCF-style: chr14-30103668-T-C.
Other names: c.1294A>G, p.Met432Val (NM_001330069.2); c.1006A>G, p.Met336Val (NM_001348390.1); short protein forms M432V, M336V, M424V.
Identifiers: ClinVar variation 2354379 (VCV002354379.3), dbSNP rs752208291, ClinGen allele CA7141223.